The following is an entry in ClinVar:

NM_001367721.1(CASK):c.1504G>A (p.Gly502Arg)

Gene: CASK (calcium/calmodulin dependent serine protein kinase; minus strand). Cytogenetic location: Xp11.4.
Variant type: single nucleotide variant.
Coding change: c.1504G>A on transcript NM_001367721.1 (MANE Select); coding-DNA position 1504, G replaced by A.
Protein change: p.Gly502Arg; replaces glycine 502 with arginine.
Molecular consequence: missense variant.
Genome position (GRCh38, 1-based): chrX:41,569,746, C>T on the plus strand (G>A on the coding strand, the complement: CASK is on the minus strand). VCF-style: chrX-41569746-C-T. GRCh37 (hg19) VCF-style: chrX-41428999-C-T.
Other names: c.1504G>A, p.Gly502Arg (NM_001126054.3, NM_003688.4); c.1486G>A, p.Gly496Arg (NM_001126055.3, NM_001410745.1); short protein forms G496R, G502R.
Identifiers: ClinVar variation 1311876 (VCV001311876.8), dbSNP rs2147179382, ClinGen allele CA412995872.

ClinVar aggregate classification (germline): Uncertain significance. Review status: criteria provided, multiple submitters, no conflicts (2 of 4 stars). 3 submissions from 3 submitters: Uncertain significance (3). Last evaluated 2023-04-04.

Conditions:
FG syndrome 4 (FGS4). Identifiers: MedGen C1845546, MONDO:0010318, OMIM 300422.
Intellectual disability, CASK-related, X-linked. Identifiers: MedGen CN043158.

Submissions (4):

University of Washington Department of Laboratory Medicine, University of Washington
Classification: Uncertain significance for FG syndrome 4. Last evaluated: 2023-04-04. Review status: criteria provided, single submitter. Criteria: ACMG Guidelines, 2015. Collection method: clinical testing. Allele origin: unknown. Affected: yes.
Comment: The p.Gly502Arg variant in the CASK gene has not been previously reported in association with disease. This variant has been submitted to ClinVar (Variation ID: 1311876) and was absent from large population databases, including the Genome Aggregation Database. The CASK gene has fewer missense variants in the general population than expected. A low rate of missense variation may suggest that this gene is intolerant to missense variation. In silico tools predict that the p.Gly502Arg variant is deleterious. Additionally, this variant occurs in the 3' splice region; however, prediction tools do not suggest an impact to splicing. In silico predictions have not been tested directly. Using ACMG guidelines, this variant was classified as a variant of uncertain significance (ACMG evidence codes used: PM2_supporting, PP2, PP3).

Labcorp Genetics (formerly Invitae), Labcorp
Classification: Uncertain significance for Intellectual disability, CASK-related, X-linked. Last evaluated: 2022-09-26. Review status: criteria provided, single submitter. Criteria: Invitae Variant Classification Sherloc (09022015). Collection method: clinical testing. Allele origin: germline.
Comment: In summary, the available evidence is currently insufficient to determine the role of this variant in disease. Therefore, it has been classified as a Variant of Uncertain Significance. This variant is not present in population databases (gnomAD no frequency). Algorithms developed to predict the effect of missense changes on protein structure and function are either unavailable or do not agree on the potential impact of this missense change (SIFT: "Deleterious"; PolyPhen-2: "Probably Damaging"; Align-GVGD: "Class C15"). ClinVar contains an entry for this variant (Variation ID: 1311876). This variant has not been reported in the literature in individuals affected with CASK-related conditions. This sequence change replaces glycine, which is neutral and non-polar, with arginine, which is basic and polar, at codon 502 of the CASK protein (p.Gly502Arg).

GeneDx
Classification: Uncertain significance. Last evaluated: 2021-09-21. Review status: criteria provided, single submitter. Criteria: GeneDx Variant Classification Process June 2021. Collection method: clinical testing. Allele origin: germline. Affected: yes.
Comment: Not observed in large population cohorts (Lek et al., 2016); In silico analysis, which includes protein predictors and evolutionary conservation, supports a deleterious effect; Has not been previously published as pathogenic or benign to our knowledge

Dr. Peter K. Rogan Lab, Western University
No classification provided (evidence only). Condition: Nonpapillary renal cell carcinoma. Review status: no classification provided. Collection method: in vitro. Allele origin: not applicable. Functional consequence: retained intron. Not counted in ClinVar's aggregate classification.